The following is an entry in ClinVar:

ClinVar aggregate classification (germline): Uncertain significance (1 of 4 stars; one submission).

Submission:

Labcorp Genetics (formerly Invitae), Labcorp
Classification: Uncertain significance. Last evaluated: 2022-08-21. Review status: criteria provided, single submitter. Criteria: Invitae Variant Classification Sherloc (09022015). Collection method: clinical testing. Allele origin: germline.
Comment: This sequence change replaces alanine, which is neutral and non-polar, with serine, which is neutral and polar, at codon 1520 of the ERCC6L2 protein (p.Ala1520Ser). In summary, the available evidence is currently insufficient to determine the role of this variant in disease. Therefore, it has been classified as a Variant of Uncertain Significance. Algorithms developed to predict the effect of missense changes on protein structure and function are either unavailable or do not agree on the potential impact of this missense change (SIFT: "Tolerated"; PolyPhen-2: "Not Available"; Align-GVGD: "Class C0"). This variant has not been reported in the literature in individuals affected with ERCC6L2-related conditions. This variant is present in population databases (no rsID available, gnomAD 0.006%).

NM_020207.7(ERCC6L2):c.4525G>T (p.Ala1509Ser)

Gene: ERCC6L2 (ERCC excision repair 6 like 2; plus strand). Cytogenetic location: 9q22.32.
Variant type: single nucleotide variant.
Coding change: c.4525G>T on transcript NM_020207.7 (MANE Select); coding-DNA position 4525, G replaced by T.
Protein change: p.Ala1509Ser; replaces alanine 1509 with serine.
Molecular consequence: missense variant. On other transcripts: non-coding transcript variant (1), intron variant (2).
Genome position (GRCh38, 1-based): chr9:96,013,075, G>T. VCF-style: chr9-96013075-G-T. GRCh37 (hg19) VCF-style: chr9-98775357-G-T.
Other names: c.3674+8374G>T (NM_001375291.1, NM_001375292.1); short protein forms A1509S.
Identifiers: ClinVar variation 1912656 (VCV001912656.5), dbSNP rs1325449054, ClinGen allele CA466124222.
Genomic context (GRCh38, chr9:96,013,075, plus strand): 5'-AGTCTTAGTAAACTCACAGACTTGGCAGTAATAGAGACTCTGTGTGAAAAAGCACCTCTA[G>T]CAGCACCCTTTAAAAGGAGAGAAGAGCCAGCAACTTCTCTTTGGAAATCAAATGAGAAAT-3'
Protein context (NP_064592.3, residues 1499-1519): IETLCEKAPL[Ala1509Ser]APFKRREEPA